The following is an entry in ClinVar:

ClinVar aggregate classification (germline): Uncertain significance (1 of 4 stars; one submission).

gnomAD v4.1: 4 of 1,614,098 alleles (0.00025%); highest among the groups gnomAD compares: Non-Finnish European, 0.00034%; no homozygotes.

Submission:

Labcorp Genetics (formerly Invitae), Labcorp
Classification: Uncertain significance. Last evaluated: 2025-10-05. Review status: criteria provided, single submitter. Criteria: Invitae Variant Classification Sherloc (09022015). Collection method: clinical testing. Allele origin: germline.
Comment: This sequence change replaces glutamine, which is neutral and polar, with glutamic acid, which is acidic and polar, at codon 862 of the VCAN protein (p.Gln862Glu). This variant is not present in population databases (gnomAD no frequency). This variant has not been reported in the literature in individuals affected with VCAN-related conditions. An algorithm developed to predict the effect of missense changes on protein structure and function (PolyPhen-2) suggests that this variant is likely to be tolerated. In summary, the available evidence is currently insufficient to determine the role of this variant in disease. Therefore, it has been classified as a Variant of Uncertain Significance.

NM_004385.5(VCAN):c.2584C>G (p.Gln862Glu)

Gene: VCAN (versican; plus strand). Cytogenetic location: 5q14.3.
Variant type: single nucleotide variant.
Coding change: c.2584C>G on transcript NM_004385.5 (MANE Select); coding-DNA position 2584, C replaced by G.
Protein change: p.Gln862Glu; replaces glutamine 862 with glutamic acid.
Molecular consequence: missense variant. On other transcripts: intron variant (2).
Genome position (GRCh38, 1-based): chr5:83,520,890, C>G. VCF-style: chr5-83520890-C-G. GRCh37 (hg19) VCF-style: chr5-82816709-C-G.
Other names: c.2584C>G, p.Gln862Glu (NM_001164098.2); c.1042+8494C>G (NM_001164097.2, NM_001126336.3); short protein forms Q862E.
Identifiers: ClinVar variation 4798838 (VCV004798838.1).